The following is an entry in ClinVar:

ClinVar aggregate classification (germline): Pathogenic. Review status: criteria provided, single submitter (1 of 4 stars). 2 submissions from 2 submitters: Pathogenic (1). 1 of the submissions does not count toward it. Last evaluated 2022-05-22.

Conditions:
Leber congenital amaurosis 6 (LCA6). Identifiers: Orphanet 65, MedGen C1854260, MONDO:0013446, OMIM 613826.

Allele frequency attached by ClinVar (database versions not stated): gnomAD exomes below 0.00001; ExAC 0.00001.

Submissions (2):

3billion
Classification: Pathogenic for Leber congenital amaurosis 6. Last evaluated: 2022-05-22. Review status: criteria provided, single submitter. Criteria: ACMG Guidelines, 2015. Collection method: clinical testing. Allele origin: germline. Affected: yes. Observed: 1 homozygote.
Comment: The variant is observed at an extremely low frequency in the gnomAD v2.1.1 dataset (total allele frequency: <0.001%). Canonical splice site: predicted to alter splicing and result in a loss or disruption of normal protein function. Multiple pathogenic loss-of-function variants are reported downstream of the variant. Therefore, this variant is classified as pathogenic according to the recommendation of ACMG/AMP guideline.

Rare Diseases Genetics and Genomics, Islamia College Peshawar
Classification: Pathogenic for Leber congenital amaurosis 6. Last evaluated: 2022-07-25. Review status: no assertion criteria provided. Criteria: ACMG Guidelines, 2015. Collection method: research. Allele origin: inherited. Inheritance: Autosomal recessive inheritance. Affected: yes. Observed: 1 homozygote. Not counted in ClinVar's aggregate classification.

NM_020366.4(RPGRIP1):c.1151+1G>A

Gene: RPGRIP1 (RPGR interacting protein 1; plus strand). Cytogenetic location: 14q11.2.
Variant type: single nucleotide variant.
Coding change: c.1151+1G>A on transcript NM_020366.4 (MANE Select); the canonical splice donor site of the intron after coding-DNA position 1151, G replaced by A.
Molecular consequence: splice donor variant.
Genome position (GRCh38, 1-based): chr14:21,312,507, G>A. VCF-style: chr14-21312507-G-A. GRCh37 (hg19) VCF-style: chr14-21780666-G-A.
Other names: c.1151+1G>A (NM_020366.3).
Identifiers: ClinVar variation 1687212 (VCV001687212.3), dbSNP rs751096098, ClinGen allele CA7088881.